The following is an entry in ClinVar:

NM_182914.3(SYNE2):c.13707+3A>G

Gene: SYNE2 (spectrin repeat containing nuclear envelope protein 2; plus strand). Cytogenetic location: 14q23.2.
Variant type: single nucleotide variant.
Coding change: c.13707+3A>G on transcript NM_182914.3 (MANE Select); 3 bases into the intron after coding-DNA position 13707, A replaced by G.
Molecular consequence: intron variant.
Genome position (GRCh38, 1-based): chr14:64,126,482, A>G. VCF-style: chr14-64126482-A-G. GRCh37 (hg19) VCF-style: chr14-64593200-A-G.
Other names: c.13707+3A>G (NM_015180.6).
Identifiers: ClinVar variation 1493210 (VCV001493210.6), dbSNP rs201254784, ClinGen allele CA261849338.

ClinVar aggregate classification (germline): Uncertain significance (1 of 4 stars; one submission).

Conditions:
Emery-Dreifuss muscular dystrophy 5, autosomal dominant (EDMD5). Also called: EMERY-DREIFUSS MUSCULAR DYSTROPHY 5. Identifiers: Orphanet 261, MedGen C2751805, MONDO:0013072, OMIM 612999.

Allele frequency attached by ClinVar (database versions not stated): gnomAD 0.00001; TOPMed 0.00001.
gnomAD v4.1: 1 of 1,614,038 alleles (0.000062%); highest among the groups gnomAD compares: Non-Finnish European, 0.000085%; no homozygotes.

Submission:

Labcorp Genetics (formerly Invitae), Labcorp
Classification: Uncertain significance for Emery-Dreifuss muscular dystrophy 5, autosomal dominant. Last evaluated: 2021-06-08. Review status: criteria provided, single submitter. Criteria: Invitae Variant Classification Sherloc (09022015). Collection method: clinical testing. Allele origin: germline.
Comment: This variant has not been reported in the literature in individuals with SYNE2-related conditions. This variant is not present in population databases (ExAC no frequency). This sequence change falls in intron 72 of the SYNE2 gene. It does not directly change the encoded amino acid sequence of the SYNE2 protein. It affects a nucleotide within the consensus splice site of the intron. Nucleotide substitutions within the consensus splice site are a relatively common cause of aberrant splicing (PMID: 17576681, 9536098). Algorithms developed to predict the effect of sequence changes on RNA splicing suggest that this variant may disrupt the consensus splice site, but this prediction has not been confirmed by published transcriptional studies. In summary, the available evidence is currently insufficient to determine the role of this variant in disease. Therefore, it has been classified as a Variant of Uncertain Significance.

Literature cited by the submitters: PubMed 17576681; PubMed 9536098.